The following is an entry in ClinVar:

ClinVar aggregate classification (germline): Likely benign (0 of 4 stars; one submission).

Conditions:
FBLN1-related disorder. Also called: FBLN1-related condition.

Allele frequency attached by ClinVar (database versions not stated): gnomAD exomes below 0.00001; TOPMed 0.00002.
gnomAD v4.1: 2 of 1,613,490 alleles (0.00012%); highest among the groups gnomAD compares: African/African-American, 0.0013%; no homozygotes.

Submission:

PreventionGenetics, part of Exact Sciences
Classification: Likely benign for FBLN1-related condition. Last evaluated: 2019-02-18. Review status: no assertion criteria provided. Collection method: clinical testing. Allele origin: germline.
Comment: This variant is classified as likely benign based on ACMG/AMP sequence variant interpretation guidelines (Richards et al. 2015 PMID: 25741868, with internal and published modifications).

NM_006486.3(FBLN1):c.1698-11442C>T

Gene: FBLN1 (fibulin 1; plus strand). Cytogenetic location: 22q13.31.
Variant type: single nucleotide variant.
Coding change: c.1698-11442C>T on transcript NM_006486.3 (MANE Select); 11442 bases into the intron before coding-DNA position 1698, C replaced by T.
Molecular consequence: intron variant. On other transcripts: synonymous variant (1).
Genome position (GRCh38, 1-based): chr22:45,563,069, C>T. VCF-style: chr22-45563069-C-T. GRCh37 (hg19) VCF-style: chr22-45958949-C-T.
Other names: c.1855C>T, p.Leu619= (NM_001996.4); c.1698-1815C>T (NM_006485.4).
Identifiers: ClinVar variation 3047139 (VCV003047139.2), dbSNP rs1356866442, ClinGen allele CA639831721.
Genomic context (GRCh38, chr22:45,563,069, plus strand): 5'-GCGCCCGCGGTGGTTTTCCGCATGGGCCCCTCCAGTGCTGTCCCCGGGGACAGCATGCAG[C>T]TGGCCATCACCGGCGGCAATGAGGAGGGCTTTTTCACCACCCGGAAGGTGAGCCCCCACA-3'